The following is an entry in ClinVar:

ClinVar aggregate classification (germline): Conflicting classifications of pathogenicity. Review status: criteria provided, conflicting classifications (1 of 4 stars). 4 submissions from 4 submitters: Uncertain significance (2); Likely benign (1). 1 of the submissions does not count toward it. Last evaluated 2026-01-12.

Conditions:
Cardiovascular phenotype. Identifiers: MedGen CN230736.
Duchenne muscular dystrophy (DMD). Also called: MUSCULAR DYSTROPHY, PSEUDOHYPERTROPHIC PROGRESSIVE, DUCHENNE TYPE; Duchenne Muscular Dystrophy (DMD). Identifiers: Orphanet 98896, MedGen C0013264, MONDO:0010679, OMIM 310200.
Dystrophin deficiency.
Becker muscular dystrophy (BMD). Also called: MUSCULAR DYSTROPHY, PSEUDOHYPERTROPHIC PROGRESSIVE, BECKER TYPE; Becker Muscular Dystrophy (BMD). Identifiers: Orphanet 98895, MedGen C0917713, MONDO:0010311, OMIM 300376.
Cardiomyopathy (CMYO). Also called: Cardiomyopathies. Identifiers: Orphanet 167848, MedGen C0878544, MONDO:0004994, HP:0001638. Inheritance: Various modes of inheritance.

Allele frequency attached by ClinVar (database versions not stated): gnomAD exomes 0.00002.
gnomAD v4.1: 7 of 1,211,571 alleles (0.00058%); highest among the groups gnomAD compares: Admixed American, 0.015%; no homozygotes.

Submissions (4):

Labcorp Genetics (formerly Invitae), Labcorp
Classification: Likely benign for Duchenne muscular dystrophy. Last evaluated: 2026-01-12. Review status: criteria provided, single submitter. Criteria: Invitae Variant Classification Sherloc (09022015). Collection method: clinical testing. Allele origin: germline.

Ambry Genetics
Classification: Uncertain significance for Cardiovascular phenotype. Last evaluated: 2023-10-03. Review status: criteria provided, single submitter. Criteria: Ambry Variant Classification Scheme 2023. Collection method: clinical testing. Allele origin: germline.
Comment: The p.T160N variant (also known as c.479C>A), located in coding exon 6 of the DMD gene, results from a C to A substitution at nucleotide position 479. The threonine at codon 160 is replaced by asparagine, an amino acid with similar properties. Based on data from gnomAD, the A allele has an overall frequency of <0.01% (6/183422) total alleles studied, with 1 hemizygote(s) observed. The highest observed frequency was 0.02% (6/27426) of Latino/Admixed American alleles. This amino acid position is well conserved in available vertebrate species. In addition, this alteration is predicted to be deleterious by in silico analysis. Since supporting evidence is limited at this time, the clinical significance of this alteration remains unclear.

Revvity Omics, Revvity
Classification: Uncertain significance. Last evaluated: 2021-04-16. Review status: criteria provided, single submitter. Criteria: ACMG Guidelines, 2015. Collection method: clinical testing. Allele origin: germline.

Natera, Inc.
Classification: Uncertain significance for Becker muscular dystrophy; Cardiomyopathy; Duchenne muscular dystrophy; Dystrophin deficiency. Last evaluated: 2020-05-14. Review status: no assertion criteria provided. Collection method: clinical testing. Allele origin: germline. Not counted in ClinVar's aggregate classification.

NM_004006.3(DMD):c.479C>A (p.Thr160Asn)

Gene: DMD (dystrophin; minus strand). Cytogenetic location: Xp21.1.
Variant type: single nucleotide variant.
Coding change: c.479C>A on transcript NM_004006.3 (MANE Select); coding-DNA position 479, C replaced by A.
Protein change: p.Thr160Asn; replaces threonine 160 with asparagine.
Molecular consequence: missense variant.
Genome position (GRCh38, 1-based): chrX:32,816,519, G>T on the plus strand (C>A on the coding strand, the complement: DMD is on the minus strand). VCF-style: chrX-32816519-G-T. GRCh37 (hg19) VCF-style: chrX-32834636-G-T.
Other names: c.455C>A, p.Thr152Asn (NM_000109.4); c.467C>A, p.Thr156Asn (NM_004009.3); c.110C>A, p.Thr37Asn (NM_004010.3); short protein forms T37N, T160N, T156N, T152N.
Identifiers: ClinVar variation 967270 (VCV000967270.10), dbSNP rs748752465, ClinGen allele CA10380150.
Genomic context (GRCh38, chrX:32,816,519, plus strand): 5'-TCTTCTTACCTATGACTATGGATGAGAGCATTCAAAGCCAGGCCATCAGACCAGCTGGTG[G>T]TGAAGTTGATTACATTAACCTGTGGATAATTACGAGTTGATTGTCGGACCCAGCTCAGGA-3'
Protein context (NP_003997.2, residues 150-170): NYPQVNVINF[Thr160Asn]TSWSDGLALN